The following is an entry in ClinVar:

NM_004260.4(RECQL4):c.1978G>C (p.Glu660Gln)

Gene: RECQL4 (RecQ like helicase 4; minus strand). Cytogenetic location: 8q24.3.
Variant type: single nucleotide variant.
Coding change: c.1978G>C on transcript NM_004260.4 (MANE Select); coding-DNA position 1978, G replaced by C.
Protein change: p.Glu660Gln; replaces glutamic acid 660 with glutamine.
Molecular consequence: missense variant.
Genome position (GRCh38, 1-based): chr8:144,514,008, C>G on the plus strand (G>C on the coding strand, the complement: RECQL4 is on the minus strand). VCF-style: chr8-144514008-C-G. GRCh37 (hg19) VCF-style: chr8-145739392-C-G.
Other names: c.1882G>C, p.Glu628Gln (NM_001413017.1, NM_001413020.1); c.1978G>C, p.Glu660Gln (NM_001413018.1, NM_001413019.1, NM_001413036.1); c.907G>C, p.Glu303Gln (NM_001413021.1, NM_001413022.1, NM_001413023.1 and 6 more transcripts); c.1849G>C, p.Glu617Gln (NM_001413025.1); c.841G>C, p.Glu281Gln (NM_001413027.1, NM_001413030.1, NM_001413032.1 and 1 more transcripts); c.1627G>C, p.Glu543Gln (NM_001413029.1); c.709G>C, p.Glu237Gln (NM_001413031.1); c.1846G>C, p.Glu616Gln (NM_001413033.1); and 5 more; short protein forms E293Q, E303Q, E616Q, E237Q, E259Q, E628Q, E660Q, E171Q.
Identifiers: ClinVar variation 2136725 (VCV002136725.5), dbSNP rs1035926081, ClinGen allele CA372680380.
Genomic context (GRCh38, chr8:144,514,008, plus strand): 5'-TGGACACGGAAAGGTGCAGGTTGGTGGGAACTGGGGCTGGCCCGTGGAGGTCAGGCTCTT[C>G]AGCCACAGCCAGGTGCTGTGCCACGTCACTGGCAGTGCGGCGTGTGGCTGTGGCTGTGAG-3'
Protein context (NP_004251.4, residues 650-670): SDVAQHLAVA[Glu660Gln]EPDLHGPAPV

ClinVar aggregate classification (germline): Uncertain significance. Review status: criteria provided, multiple submitters, no conflicts (2 of 4 stars). 2 submissions from 2 submitters: Uncertain significance (2). Last evaluated 2026-03-30.

Conditions:
Inborn genetic diseases. Identifiers: MedGen C0950123, MeSH D030342.
Baller-Gerold syndrome (BGS). Also called: CRANIOSYNOSTOSIS WITH RADIAL DEFECTS. Identifiers: Orphanet 1225, MedGen C0265308, MONDO:0009039, OMIM 218600.

gnomAD v4.1: 1 of 1,569,200 alleles (0.000064%); highest among the groups gnomAD compares: Non-Finnish European, 0.000086%; no homozygotes.

Submissions (2):

Ambry Genetics
Classification: Uncertain significance for Inborn genetic diseases. Last evaluated: 2026-03-30. Review status: criteria provided, single submitter. Criteria: Ambry Variant Classification Scheme 2023. Collection method: clinical testing. Allele origin: germline.
Comment: The p.E660Q variant (also known as c.1978G>C), located in coding exon 12 of the RECQL4 gene, results from a G to C substitution at nucleotide position 1978. The glutamic acid at codon 660 is replaced by glutamine, an amino acid with highly similar properties. This amino acid position is conserved. In addition, this alteration is predicted to be tolerated by in silico analysis. Based on the available evidence, the clinical significance of this variant remains unclear.

Labcorp Genetics (formerly Invitae), Labcorp
Classification: Uncertain significance for Baller-Gerold syndrome. Last evaluated: 2023-09-26. Review status: criteria provided, single submitter. Criteria: Invitae Variant Classification Sherloc (09022015). Collection method: clinical testing. Allele origin: germline.
Comment: In summary, the available evidence is currently insufficient to determine the role of this variant in disease. Therefore, it has been classified as a Variant of Uncertain Significance. Advanced modeling of protein sequence and biophysical properties (such as structural, functional, and spatial information, amino acid conservation, physicochemical variation, residue mobility, and thermodynamic stability) performed at Invitae indicates that this missense variant is not expected to disrupt RECQL4 protein function. ClinVar contains an entry for this variant (Variation ID: 2136725). This variant has not been reported in the literature in individuals affected with RECQL4-related conditions. This variant is not present in population databases (gnomAD no frequency). This sequence change replaces glutamic acid, which is acidic and polar, with glutamine, which is neutral and polar, at codon 660 of the RECQL4 protein (p.Glu660Gln).